The following is an entry in ClinVar:

NM_198526.4(ZNF710):c.545T>G (p.Leu182Arg)

Gene: ZNF710 (zinc finger protein 710; plus strand). Cytogenetic location: 15q26.1.
Variant type: single nucleotide variant.
Coding change: c.545T>G on transcript NM_198526.4 (MANE Select); coding-DNA position 545, T replaced by G.
Protein change: p.Leu182Arg; replaces leucine 182 with arginine.
Molecular consequence: missense variant.
Genome position (GRCh38, 1-based): chr15:90,067,682, T>G. VCF-style: chr15-90067682-T-G. GRCh37 (hg19) VCF-style: chr15-90610914-T-G.
Other names: short protein forms L182R.
Identifiers: ClinVar variation 2645702 (VCV002645702.24), dbSNP rs201968429, ClinGen allele CA7732474.
Genomic context (GRCh38, chr15:90,067,682, plus strand): 5'-GCGCCTTCAGCCGCAAGCCCCGGACGCTCCGGCATCTGCCCCGAACCCCGAGGCCGGAGC[T>G]GAACGTGGCCCCATATGACCCTCACTTCCCGGCCCCGGCCCGGGATGGCTTCCCCGAGCC-3'
Protein context (NP_940928.2, residues 172-192): RHLPRTPRPE[Leu182Arg]NVAPYDPHFP

ClinVar aggregate classification (germline): Likely benign (1 of 4 stars; one submission).

Allele frequency attached by ClinVar (database versions not stated): 1000 Genomes Project 0.00140; 1000 Genomes Project 30x 0.00187; TOPMed 0.00414; ESP Exome Variant Server 0.00482; gnomAD 0.00578; ExAC 0.00579.
gnomAD v4.1: 11,096 of 1,612,710 alleles (0.69%); highest among the groups gnomAD compares: Non-Finnish European, 0.83%; 57 homozygotes.

Submission:

CeGaT Center for Human Genetics Tuebingen
Classification: Likely benign. Last evaluated: 2025-10-01. Review status: criteria provided, single submitter. Criteria: CeGaT Center For Human Genetics Tuebingen Variant Classification Criteria Version 2. Collection method: clinical testing. Allele origin: germline. Affected: yes. Observed: 3 variant alleles.
Comment: ZNF710: BS2